The following is an entry in ClinVar:

NM_000051.4(ATM):c.6199-2del

Genes: ATM (ATM serine/threonine kinase; plus strand), C11orf65 (chromosome 11 open reading frame 65; minus strand). Cytogenetic location: 11q22.3.
Variant type: Deletion.
Coding change: c.6199-2del on transcript NM_000051.4 (MANE Select); the canonical splice acceptor site of the intron before coding-DNA position 6199, one base deleted (A; older notation c.6199-2delA).
Molecular consequence: splice acceptor variant. On other transcripts: intron variant (2).
Genome position (GRCh38, 1-based): chr11:108,317,371, A deleted. VCF-style (leftmost placement, unchanged base first): chr11-108317370-TA-T. GRCh37 (hg19) VCF-style: chr11-108188097-TA-T.
Other names: c.6199-2del (NM_001351834.2); c.641-8300del (NM_001330368.2); c.*39-8300del (NM_001351110.2); c.6199-2delA (NM_000051.3).
Identifiers: ClinVar variation 524282 (VCV000524282.8), dbSNP rs1555114545, ClinGen allele CA658797731.

ClinVar aggregate classification (germline): Likely pathogenic (1 of 4 stars; one submission).

Conditions:
Ataxia-telangiectasia syndrome (AT). Also called: Cerebello-oculocutaneous telangiectasia; Immunodeficiency with ataxia telangiectasia; Ataxia-telangiectasia, complementation group E; Ataxia-telangiectasia, complementation group D; AT, COMPLEMENTATION GROUP C; ATAXIA-TELANGIECTASIA, COMPLEMENTATION GROUP A. Identifiers: Orphanet 100, MedGen C0004135, MONDO:0008840, OMIM 208900.

Submission:

Labcorp Genetics (formerly Invitae), Labcorp
Classification: Likely pathogenic for Ataxia-telangiectasia syndrome. Last evaluated: 2017-10-16. Review status: criteria provided, single submitter. Criteria: Invitae Variant Classification Sherloc (09022015). Collection method: clinical testing. Allele origin: germline.
Comment: In summary, the currently available evidence indicates that the variant is pathogenic, but additional data are needed to prove that conclusively. Therefore, this variant has been classified as Likely Pathogenic. Donor and acceptor splice site variants typically lead to a loss of protein function (PMID: 16199547), and loss-of-function variants in ATM are known to be pathogenic (PMID: 23807571, 25614872). Algorithms developed to predict the effect of sequence changes on RNA splicing suggest that this variant may disrupt the consensus splice site, but this prediction has not been confirmed by published transcriptional studies. This variant has not been reported in the literature in individuals with ATM-related disease. This variant is not present in population databases (ExAC no frequency). This sequence change affects an acceptor splice site in intron 42 of the ATM gene. It is expected to disrupt RNA splicing and likely results in an absent or disrupted protein product.

Literature cited by the submitters: PubMed 16199547; PubMed 23807571; PubMed 25614872.